The following is an entry in ClinVar:

ClinVar aggregate classification (germline): Uncertain significance (1 of 4 stars; one submission).

Conditions:
Emery-Dreifuss muscular dystrophy 5, autosomal dominant (EDMD5). Also called: EMERY-DREIFUSS MUSCULAR DYSTROPHY 5. Identifiers: Orphanet 261, MedGen C2751805, MONDO:0013072, OMIM 612999.

gnomAD v4.1: 2 of 1,614,012 alleles (0.00012%); highest among the groups gnomAD compares: African/African-American, 0.0027%; no homozygotes.

Submission:

Labcorp Genetics (formerly Invitae), Labcorp
Classification: Uncertain significance for Emery-Dreifuss muscular dystrophy 5, autosomal dominant. Last evaluated: 2025-09-06. Review status: criteria provided, single submitter. Criteria: Invitae Variant Classification Sherloc (09022015). Collection method: clinical testing. Allele origin: germline.
Comment: This sequence change replaces methionine, which is neutral and non-polar, with leucine, which is neutral and non-polar, at codon 6218 of the SYNE2 protein (p.Met6218Leu). This variant is present in population databases (rs369111057, gnomAD 0.01%). This variant has not been reported in the literature in individuals affected with SYNE2-related conditions. An algorithm developed to predict the effect of missense changes on protein structure and function (PolyPhen-2) suggests that this variant is likely to be tolerated. In summary, the available evidence is currently insufficient to determine the role of this variant in disease. Therefore, it has been classified as a Variant of Uncertain Significance.

NM_182914.3(SYNE2):c.18652A>T (p.Met6218Leu)

Gene: SYNE2 (spectrin repeat containing nuclear envelope protein 2; plus strand). Cytogenetic location: 14q23.2.
Variant type: single nucleotide variant.
Coding change: c.18652A>T on transcript NM_182914.3 (MANE Select); coding-DNA position 18652, A replaced by T.
Protein change: p.Met6218Leu; replaces methionine 6218 with leucine.
Molecular consequence: missense variant.
Genome position (GRCh38, 1-based): chr14:64,210,053, A>T. VCF-style: chr14-64210053-A-T. GRCh37 (hg19) VCF-style: chr14-64676771-A-T.
Other names: c.18652A>T, p.Met6218Leu (NM_015180.6); short protein forms M6218L.
Identifiers: ClinVar variation 4699712 (VCV004699712.1).